The following is an entry in ClinVar:

ClinVar aggregate classification (germline): Pathogenic (1 of 4 stars; one submission).

Conditions:
Legius syndrome. Identifiers: Orphanet 137605, MedGen C1969623, MONDO:0012669, OMIM 611431. Disease mechanism: loss of function.

Submission:

Labcorp Genetics (formerly Invitae), Labcorp
Classification: Pathogenic for Legius syndrome. Last evaluated: 2022-08-07. Review status: criteria provided, single submitter. Criteria: Invitae Variant Classification Sherloc (09022015). Collection method: clinical testing. Allele origin: germline.
Comment: This sequence change creates a premature translational stop signal (p.Ile413Hisfs*19) in the SPRED1 gene. While this is not anticipated to result in nonsense mediated decay, it is expected to disrupt the last 32 amino acid(s) of the SPRED1 protein. This variant is not present in population databases (gnomAD no frequency). For these reasons, this variant has been classified as Pathogenic. This variant disrupts a region of the SPRED1 protein in which other variant(s) (p.Cys418Alafs*6) have been determined to be pathogenic (PMID: 19920235). This suggests that this is a clinically significant region of the protein, and that variants that disrupt it are likely to be disease-causing. This variant has not been reported in the literature in individuals affected with SPRED1-related conditions.

Literature cited by the submitters: PubMed 19920235.

NM_152594.3(SPRED1):c.1235dup (p.Ile413fs)

Gene: SPRED1 (sprouty related EVH1 domain containing 1; plus strand). Cytogenetic location: 15q14.
Variant type: Duplication.
Coding change: c.1235dup on transcript NM_152594.3 (MANE Select); coding-DNA position 1235, one base duplicated (T; older notation c.1235dupT).
Protein change: p.Ile413fs; shifts the reading frame from isoleucine 413.
Molecular consequence: frameshift variant.
Genome position (GRCh38, 1-based): chr15:38,351,564, T duplicated; the last of 3 consecutive T bases (chr15:38,351,562-38,351,564); duplicating any one gives the same sequence. VCF-style (leftmost placement, unchanged base first): chr15-38351561-C-CT. GRCh37 (hg19) VCF-style: chr15-38643762-C-CT.
Other names: short protein forms I413fs.
Identifiers: ClinVar variation 2022371 (VCV002022371.4), dbSNP rs2542744385, ClinGen allele CA2580089340.